The following is an entry in ClinVar:

NM_006766.5(KAT6A):c.2668G>T (p.Glu890Ter)

Gene: KAT6A (lysine acetyltransferase 6A; minus strand). Cytogenetic location: 8p11.21.
Variant type: single nucleotide variant.
Coding change: c.2668G>T on transcript NM_006766.5 (MANE Select); coding-DNA position 2668, G replaced by T.
Protein change: p.Glu890Ter; replaces glutamic acid 890 with a stop codon.
Molecular consequence: nonsense.
Genome position (GRCh38, 1-based): chr8:41,941,213, C>A on the plus strand (G>T on the coding strand, the complement: KAT6A is on the minus strand). VCF-style: chr8-41941213-C-A. GRCh37 (hg19) VCF-style: chr8-41798731-C-A.
Other names: short protein forms E890*.
Identifiers: ClinVar variation 4532098 (VCV004532098.1).

ClinVar aggregate classification (germline): Pathogenic (1 of 4 stars; one submission).

Conditions:
Autosomal dominant intellectual disability-craniofacial anomalies-cardiac defects syndrome (ARTHS). Also called: KAT6A syndrome; Mental retardation, autosomal dominant 32; Arboleda-Tham syndrome. Identifiers: Orphanet 457193, MedGen C4225396, MONDO:0014558, OMIM 616268.

Submission:

Victorian Clinical Genetics Services, Murdoch Childrens Research Institute
Classification: Pathogenic for Autosomal dominant intellectual disability-craniofacial anomalies-cardiac defects syndrome. Last evaluated: 2025-02-17. Review status: criteria provided, single submitter. Criteria: ACMG Guidelines, 2015. Collection method: clinical testing. Allele origin: germline. Affected: yes.
Comment: This variant is classified as Pathogenic. Evidence in support of pathogenic classification: Variant is predicted to cause nonsense-mediated decay (NMD) and loss of protein (premature termination codon is located at least 54 nucleotides upstream of the final exon-exon junction); Variant is absent from gnomAD (v2, v3 and v4); Other NMD-predicted variant(s) comparable to the one identified in this case have very strong previous evidence for pathogenicity (DECIPHER); Additional information: This variant is heterozygous; This gene is associated with autosomal dominant disease; This variant has no previous evidence of pathogenicity; No published segregation evidence has been identified for this variant; No published functional evidence has been identified for this variant; Loss of function is a known mechanism of disease in this gene and is associated with Arboleda-Tham syndrome (MIM# 616268).